The following is an entry in ClinVar:

ClinVar aggregate classification (germline): Conflicting classifications of pathogenicity. Review status: criteria provided, conflicting classifications (1 of 4 stars). 2 submissions from 2 submitters: Pathogenic (1); Uncertain significance (1). Last evaluated 2025-02-13.

Conditions:
GNAS-related disorder. Identifiers: MedGen CN380105.
Pseudohypoparathyroidism type I A (PHP1A). Also called: Pseudohypoparathyroidism Type IA; ALBRIGHT HEREDITARY OSTEODYSTROPHY WITH MULTIPLE HORMONE RESISTANCE; Pseudohypoparathyroidism type 1A; Pseudohypoparathyroidism Ia (PHP-Ia); PHP IA. Identifiers: Orphanet 79443, MedGen C3494506, MONDO:0007078, OMIM 103580.

Submissions (2):

PreventionGenetics, part of Exact Sciences
Classification: Uncertain significance for GNAS-related condition. Last evaluated: 2025-02-13. Review status: criteria provided, single submitter. Criteria: ACMG Guidelines, 2015. Collection method: clinical testing. Allele origin: germline.
Comment: The GNAS c.917C>T variant is predicted to result in the amino acid substitution p.Ser306Leu. This variant was reported to be maternally-inherited in an individual with severe obesity, developmental delays, brachydactyly, and short stature (Mendes de Oliveira et al 2021. PubMed ID: 34614324). This variant has not been reported in a large population database, indicating it is rare. Although we suspect this variant may be pathogenic, at this time, the clinical significance is uncertain due to the absence of conclusive functional and genetic evidence.

Genetics of Obesity Study, University of Cambridge
Classification: Pathogenic for Pseudohypoparathyroidism type I A. Last evaluated: 2020-06-01. Review status: criteria provided, single submitter. Criteria: ACMG Guidelines, 2015. Collection method: research. Allele origin: maternal. Affected: yes.

Literature cited by the submitters: PubMed 34614324 (cited by Genetics of Obesity Study, University of Cambridge).

NM_000516.7(GNAS):c.917C>T (p.Ser306Leu)

Gene: GNAS (GNAS complex locus; plus strand). Cytogenetic location: 20q13.32.
Variant type: single nucleotide variant.
Coding change: c.917C>T on transcript NM_000516.7 (MANE Select); coding-DNA position 917, C replaced by T.
Protein change: p.Ser306Leu; replaces serine 306 with leucine.
Molecular consequence: missense variant. On other transcripts: 3 prime UTR variant (2).
Genome position (GRCh38, 1-based): chr20:58,910,028, C>T. VCF-style: chr20-58910028-C-T. GRCh37 (hg19) VCF-style: chr20-57485083-C-T.
Other names: c.920C>T, p.Ser307Leu (NM_001077488.5); c.872C>T, p.Ser291Leu (NM_001077489.4); c.*778C>T (NM_001077490.3); c.740C>T, p.Ser247Leu (NM_001309840.2, NM_001309861.2); c.*823C>T (NM_016592.5); c.2846C>T, p.Ser949Leu (NM_080425.4); c.875C>T, p.Ser292Leu (NM_080426.4); c.917C>T (NM_000516.5); short protein forms S306L, S247L, S291L, S292L, S307L, S949L.
Identifiers: ClinVar variation 1065890 (VCV001065890.4), dbSNP rs2146292463, ClinGen allele CA409453196.
Genomic context (GRCh38, chr20:58,910,028, plus strand): 5'-CTGTGATCCTGTTCCTCAACAAGCAAGATCTGCTCGCTGAGAAAGTCCTTGCTGGGAAAT[C>T]GAAGATTGAGGACTACTTTCCAGAATTTGCTCGCTACACTACTCCTGAGGATGGTGTGTA-3'
Protein context (NP_000507.1, residues 296-316): LLAEKVLAGK[Ser306Leu]KIEDYFPEFA